The following is an entry in ClinVar:

ClinVar aggregate classification (germline): Benign/Likely benign. Review status: criteria provided, multiple submitters, no conflicts (2 of 4 stars). 3 submissions from 3 submitters: Benign (1); Likely benign (2). Last evaluated 2025-10-01.

Allele frequency attached by ClinVar (database versions not stated): gnomAD 0.00004 and 0.00022; TOPMed 0.00006; gnomAD exomes 0.00030 and 0.00063; 1000 Genomes Project 0.00180; 1000 Genomes Project 30x 0.00203.
gnomAD v4.1: 441 of 1,526,678 alleles (0.029%); highest among the groups gnomAD compares: South Asian, 0.49%; 2 homozygotes.

Submissions (3):

CeGaT Center for Human Genetics Tuebingen
Classification: Likely benign. Last evaluated: 2025-10-01. Review status: criteria provided, single submitter. Criteria: CeGaT Center For Human Genetics Tuebingen Variant Classification Criteria Version 2. Collection method: clinical testing. Allele origin: germline. Affected: yes. Observed: 2 variant alleles.
Comment: CTBP1: BP4, BP7, BS1

Labcorp Genetics (formerly Invitae), Labcorp
Classification: Benign. Last evaluated: 2025-04-09. Review status: criteria provided, single submitter. Criteria: Invitae Variant Classification Sherloc (09022015). Collection method: clinical testing. Allele origin: germline.

Blueprint Genetics
Classification: Likely benign. Last evaluated: 2024-11-07. Review status: criteria provided, single submitter. Criteria: ACMG Guidelines, 2015. Collection method: clinical testing. Allele origin: germline.

NM_001012614.2(CTBP1):c.1260G>A (p.Ala420=)

Genes: CTBP1 (C-terminal binding protein 1; minus strand), CTBP1-AS (CTBP1 antisense RNA; plus strand). Cytogenetic location: 4p16.3.
Variant type: single nucleotide variant.
Coding change: c.1260G>A on transcript NM_001012614.2 (MANE Select); coding-DNA position 1260, G replaced by A.
Protein change: p.Ala420=; no amino-acid change (alanine 420 retained).
Molecular consequence: synonymous variant. On other transcripts: non-coding transcript variant (1).
Genome position (GRCh38, 1-based): chr4:1,212,270, C>T on the plus strand (G>A on the coding strand, the complement: CTBP1 is on the minus strand). VCF-style: chr4-1212270-C-T. GRCh37 (hg19) VCF-style: chr4-1206058-C-T.
Other names: c.1293G>A, p.Ala431= (NM_001328.3).
Identifiers: ClinVar variation 743627 (VCV000743627.16), dbSNP rs532821312, ClinGen allele CA2804140.
Genomic context (GRCh38, chr4:1,212,270, plus strand): 5'-AGGCGCCGAGGCTGGAGAGCTCCTCCCGGGCTACAACTGGTCACTGGCGTGGTCTCTATC[C>T]GCCTCGGGCTTGACGGTTTGGCCAGGAGAAGGGGCGTGGGGCGGGTGGGCCACAGGGGGC-3'
Protein context (NP_001012632.1, residues 410-429): PSPGQTVKPE[Ala420=]DRDHASDQL